The following is an entry in ClinVar:

NM_018136.5(ASPM):c.2967G>A (p.Trp989Ter)

Gene: ASPM (assembly factor for spindle microtubules; minus strand). Cytogenetic location: 1q31.3.
Variant type: single nucleotide variant.
Coding change: c.2967G>A on transcript NM_018136.5 (MANE Select); coding-DNA position 2967, G replaced by A.
Protein change: p.Trp989Ter; replaces tryptophan 989 with a stop codon.
Molecular consequence: nonsense.
Genome position (GRCh38, 1-based): chr1:197,125,161, C>T on the plus strand (G>A on the coding strand, the complement: ASPM is on the minus strand). VCF-style: chr1-197125161-C-T. GRCh37 (hg19) VCF-style: chr1-197094291-C-T.
Other names: c.2967G>A, p.Trp989Ter (NM_001206846.2); short protein forms W989*.
Identifiers: ClinVar variation 21570 (VCV000021570.7), dbSNP rs199422152, ClinGen allele CA342233.

ClinVar aggregate classification (germline): Pathogenic. Review status: criteria provided, multiple submitters, no conflicts (2 of 4 stars). 4 submissions from 4 submitters: Pathogenic (3). 1 of the submissions does not count toward it. Last evaluated 2026-05-22.

Conditions:
Inborn genetic diseases. Identifiers: MedGen C0950123, MeSH D030342.
Microcephaly 5, primary, autosomal recessive (MCPH5). Also called: ASPM Primary Microcephaly. Identifiers: Orphanet 2512, MedGen C1837501, MONDO:0012106, OMIM 608716.
Microcephaly 1, primary, autosomal recessive (MCPH1). Also called: PREMATURE CHROMOSOME CONDENSATION SYNDROME; PCC SYNDROME; PREMATURE CHROMOSOME CONDENSATION WITH MICROCEPHALY AND MENTAL RETARDATION. Identifiers: Orphanet 2512, MedGen C1855081, MONDO:0009617, OMIM 251200.

Allele frequency attached by ClinVar (database versions not stated): gnomAD exomes below 0.00001.
gnomAD v4.1: 2 of 1,613,902 alleles (0.00012%); highest among the groups gnomAD compares: Non-Finnish European, 0.00017%; no homozygotes.

Submissions (4):

Ambry Genetics
Classification: Pathogenic for Inborn genetic diseases. Last evaluated: 2026-05-22. Review status: criteria provided, single submitter. Criteria: Ambry Variant Classification Scheme 2023. Collection method: clinical testing. Allele origin: germline.
Comment: The c.2967G>A (p.W989*) alteration, located in exon 11 (coding exon 11) of the ASPM gene, consists of a G to A substitution at nucleotide position 2967. This changes the amino acid from a tryptophan (W) to a stop codon at amino acid position 989. This variant is expected to result in loss of function by premature protein truncation or nonsense-mediated mRNA decay. This variant was not reported in population-based cohorts in the Genome Aggregation Database (gnomAD). This variant has been identified in the homozygous state and/or in conjunction with other ASPM variant(s) in individual(s) with features consistent with ASPM-related microcephaly (Nicholas, 2009). Based on the available evidence, this alteration is classified as pathogenic.

Labcorp Genetics (formerly Invitae), Labcorp
Classification: Pathogenic. Last evaluated: 2024-08-13. Review status: criteria provided, single submitter. Criteria: Invitae Variant Classification Sherloc (09022015). Collection method: clinical testing. Allele origin: germline.
Comment: This sequence change creates a premature translational stop signal (p.Trp989*) in the ASPM gene. It is expected to result in an absent or disrupted protein product. Loss-of-function variants in ASPM are known to be pathogenic (PMID: 19028728, 23611254). This variant is not present in population databases (gnomAD no frequency). This premature translational stop signal has been observed in individual(s) with primary microcephaly (PMID: 19028728). ClinVar contains an entry for this variant (Variation ID: 21570). For these reasons, this variant has been classified as Pathogenic.

Institute for Genomic Statistics and Bioinformatics, University Hospital Bonn
Classification: Pathogenic for Microcephaly 1, primary, autosomal recessive. Review status: criteria provided, single submitter. Criteria: ACMG Guidelines, 2015. Collection method: clinical testing. Allele origin: unknown. Affected: yes. Observed: 1 variant allele.

GeneReviews
No classification provided. Condition: Microcephaly 5, primary, autosomal recessive. Review status: no classification provided. Collection method: literature only. Allele origin: unknown. Not counted in ClinVar's aggregate classification.

Literature cited by the submitters: PubMed 19028728 (cited by Ambry Genetics and Labcorp Genetics (formerly Invitae), Labcorp); PubMed 23611254 (cited by Labcorp Genetics (formerly Invitae), Labcorp); PubMed 20301772 (cited by GeneReviews); NCBI Bookshelf NBK9587 (cited by GeneReviews).